The following is an entry in ClinVar:

ClinVar aggregate classification (germline): Pathogenic (1 of 4 stars; one submission).

Conditions:
Mucopolysaccharidosis type 6 (MPS6). Also called: MPS 6; Maroteaux Lamy syndrome; N-ACETYLGALACTOSAMINE-4-SULFATASE DEFICIENCY; MPS VI; ARSB DEFICIENCY; ARYLSULFATASE B DEFICIENCY. Identifiers: Orphanet 583, MedGen C0026709, MONDO:0009661, OMIM 253200.

Submission:

Labcorp Genetics (formerly Invitae), Labcorp
Classification: Pathogenic for Mucopolysaccharidosis type 6. Last evaluated: 2023-08-16. Review status: criteria provided, single submitter. Criteria: Invitae Variant Classification Sherloc (09022015). Collection method: clinical testing. Allele origin: germline.
Comment: This sequence change creates a premature translational stop signal (p.Glu135*) in the ARSB gene. It is expected to result in an absent or disrupted protein product. Loss-of-function variants in ARSB are known to be pathogenic (PMID: 17458871, 22133300). For these reasons, this variant has been classified as Pathogenic. Algorithms developed to predict the effect of sequence changes on RNA splicing suggest that this variant may disrupt the consensus splice site. This variant has not been reported in the literature in individuals affected with ARSB-related conditions. This variant is not present in population databases (gnomAD no frequency).

Literature cited by the submitters: PubMed 17458871; PubMed 22133300.

NM_000046.5(ARSB):c.403G>T (p.Glu135Ter)

Gene: ARSB (arylsulfatase B; minus strand). Cytogenetic location: 5q14.1.
Variant type: single nucleotide variant.
Coding change: c.403G>T on transcript NM_000046.5 (MANE Select); coding-DNA position 403, G replaced by T.
Protein change: p.Glu135Ter; replaces glutamic acid 135 with a stop codon.
Molecular consequence: nonsense.
Genome position (GRCh38, 1-based): chr5:78,969,102, C>A on the plus strand (G>T on the coding strand, the complement: ARSB is on the minus strand). VCF-style: chr5-78969102-C-A. GRCh37 (hg19) VCF-style: chr5-78264925-C-A.
Other names: c.403G>T, p.Glu135Ter (NM_198709.3); short protein forms E135*.
Identifiers: ClinVar variation 3015401 (VCV003015401.3), dbSNP rs2530607059, ClinGen allele CA360194184.
Genomic context (GRCh38, chr5:78,969,102, plus strand): 5'-ATTCTTTCCGGTACATTCCCAGGTGCCATTTTCCGACCATATGGGTAGTATAACCTGCTT[C>A]TTTTAGGAGCTGGGGCAGGAGTTTTTCATCCAGAGGAACACAGCTGGGCTGACAGGGCCA-3'